The following is an entry in ClinVar:

ClinVar aggregate classification (germline): Uncertain significance (1 of 4 stars; one submission).

Allele frequency attached by ClinVar (database versions not stated): TOPMed below 0.00001.

Submission:

Ambry Genetics
Classification: Uncertain significance. Last evaluated: 2023-11-30. Review status: criteria provided, single submitter. Criteria: Ambry Variant Classification Scheme 2023. Collection method: clinical testing. Allele origin: germline.
Comment: The p.K2209E variant (also known as c.6625A>G), located in coding exon 22 of the POLQ gene, results from an A to G substitution at nucleotide position 6625. The lysine at codon 2209 is replaced by glutamic acid, an amino acid with similar properties. This amino acid position is conserved. In addition, the in silico prediction for this alteration is inconclusive. Since supporting evidence is limited at this time, the clinical significance of this alteration remains unclear.

NM_199420.4(POLQ):c.6625A>G (p.Lys2209Glu)

Gene: POLQ (DNA polymerase theta; minus strand). Cytogenetic location: 3q13.33.
Variant type: single nucleotide variant.
Coding change: c.6625A>G on transcript NM_199420.4 (MANE Select); coding-DNA position 6625, A replaced by G.
Protein change: p.Lys2209Glu; replaces lysine 2209 with glutamic acid.
Molecular consequence: missense variant.
Genome position (GRCh38, 1-based): chr3:121,472,083, T>C on the plus strand (A>G on the coding strand, the complement: POLQ is on the minus strand). VCF-style: chr3-121472083-T-C. GRCh37 (hg19) VCF-style: chr3-121190930-T-C.
Other names: short protein forms K2209E.
Identifiers: ClinVar variation 3230112 (VCV003230112.1), dbSNP rs1289955942, ClinGen allele CA354085372.